The following is an entry in ClinVar:

NM_000393.5(COL5A2):c.1621G>A (p.Ala541Thr)

Gene: COL5A2 (collagen type V alpha 2 chain; minus strand). Cytogenetic location: 2q32.2.
Variant type: single nucleotide variant.
Coding change: c.1621G>A on transcript NM_000393.5 (MANE Select); coding-DNA position 1621, G replaced by A.
Protein change: p.Ala541Thr; replaces alanine 541 with threonine.
Molecular consequence: missense variant.
Genome position (GRCh38, 1-based): chr2:189,064,652, C>T on the plus strand (G>A on the coding strand, the complement: COL5A2 is on the minus strand). VCF-style: chr2-189064652-C-T. GRCh37 (hg19) VCF-style: chr2-189929378-C-T.
Other names: short protein forms A541T.
Identifiers: ClinVar variation 2807357 (VCV002807357.3), dbSNP rs768348357, ClinGen allele CA349850742.

ClinVar aggregate classification (germline): Uncertain significance (1 of 4 stars; one submission).

Conditions:
Ehlers-Danlos syndrome, classic type, 1 (EDSCL1). Also called: EHLERS-DANLOS SYNDROME, GRAVIS TYPE; EHLERS-DANLOS SYNDROME, SEVERE CLASSIC TYPE; Ehlers-Danlos syndrome, type 1; Ehlers-Danlos Syndrome, Classic Type, COL5A1-Related; EDS I. Identifiers: MedGen C0268335, MONDO:0019567, OMIM 130000.

gnomAD v4.1: 3 of 1,610,330 alleles (0.00019%); highest among the groups gnomAD compares: East Asian, 0.0045%; no homozygotes.

Submission:

Labcorp Genetics (formerly Invitae), Labcorp
Classification: Uncertain significance for Ehlers-Danlos syndrome, classic type, 1. Last evaluated: 2023-11-14. Review status: criteria provided, single submitter. Criteria: Invitae Variant Classification Sherloc (09022015). Collection method: clinical testing. Allele origin: germline.
Comment: This sequence change replaces alanine, which is neutral and non-polar, with threonine, which is neutral and polar, at codon 541 of the COL5A2 protein (p.Ala541Thr). This variant is not present in population databases (gnomAD no frequency). This variant has not been reported in the literature in individuals affected with COL5A2-related conditions. Advanced modeling of protein sequence and biophysical properties (such as structural, functional, and spatial information, amino acid conservation, physicochemical variation, residue mobility, and thermodynamic stability) performed at Invitae indicates that this missense variant is not expected to disrupt COL5A2 protein function with a negative predictive value of 80%. In summary, the available evidence is currently insufficient to determine the role of this variant in disease. Therefore, it has been classified as a Variant of Uncertain Significance.